The following is an entry in ClinVar:

ClinVar aggregate classification (germline): Uncertain significance. Review status: criteria provided, multiple submitters, no conflicts (2 of 4 stars). 2 submissions from 2 submitters: Uncertain significance (2). Last evaluated 2024-09-10.

Conditions:
Inborn genetic diseases. Identifiers: MedGen C0950123, MeSH D030342.

Allele frequency attached by ClinVar (database versions not stated): TOPMed below 0.00001; gnomAD 0.00001; gnomAD exomes 0.00003 and 0.00014; ExAC 0.00050.
gnomAD v4.1: 46 of 1,512,858 alleles (0.003%); highest among the groups gnomAD compares: South Asian, 0.054%; no homozygotes.

Submissions (2):

Ambry Genetics
Classification: Uncertain significance for Inborn genetic diseases. Last evaluated: 2024-09-10. Review status: criteria provided, single submitter. Criteria: Ambry Variant Classification Scheme 2023. Collection method: clinical testing. Allele origin: germline.

Labcorp Genetics (formerly Invitae), Labcorp
Classification: Uncertain significance. Last evaluated: 2021-11-10. Review status: criteria provided, single submitter. Criteria: Invitae Variant Classification Sherloc (09022015). Collection method: clinical testing. Allele origin: germline.
Comment: This variant is present in population databases (rs760260138, gnomAD 0.09%). This sequence change replaces isoleucine, which is neutral and non-polar, with valine, which is neutral and non-polar, at codon 974 of the OTOGL protein (p.Ile974Val). This variant has not been reported in the literature in individuals affected with OTOGL-related conditions. Algorithms developed to predict the effect of missense changes on protein structure and function output the following: SIFT: "Tolerated"; PolyPhen-2: "Benign"; Align-GVGD: "Class C0". The valine amino acid residue is found in multiple mammalian species, which suggests that this missense change does not adversely affect protein function. Algorithms developed to predict the effect of sequence changes on RNA splicing suggest that this variant may create or strengthen a splice site. In summary, the available evidence is currently insufficient to determine the role of this variant in disease. Therefore, it has been classified as a Variant of Uncertain Significance.

NM_001378609.3(OTOGL):c.2947A>G (p.Ile983Val)

Gene: OTOGL (otogelin like; plus strand). Cytogenetic location: 12q21.31.
Variant type: single nucleotide variant.
Coding change: c.2947A>G on transcript NM_001378609.3 (MANE Select); coding-DNA position 2947, A replaced by G.
Protein change: p.Ile983Val; replaces isoleucine 983 with valine.
Molecular consequence: missense variant. On other transcripts: intron variant (1).
Genome position (GRCh38, 1-based): chr12:80,296,845, A>G. VCF-style: chr12-80296845-A-G. GRCh37 (hg19) VCF-style: chr12-80690625-A-G.
Other names: c.2920A>G (NM_173591.3); c.2947A>G, p.Ile983Val (NM_001378610.3, NM_173591.7); c.2929-5789A>G (NM_001368062.3); short protein forms I983V.
Identifiers: ClinVar variation 1482822 (VCV001482822.7), dbSNP rs760260138, ClinGen allele CA6700936.